The following is an entry in ClinVar:

ClinVar aggregate classification (germline): Uncertain significance (1 of 4 stars; one submission).

Submission:

CeGaT Center for Human Genetics Tuebingen
Classification: Uncertain significance. Last evaluated: 2025-10-01. Review status: criteria provided, single submitter. Criteria: CeGaT Center For Human Genetics Tuebingen Variant Classification Criteria Version 2. Collection method: clinical testing. Allele origin: germline. Affected: yes. Observed: 1 variant allele.
Comment: CNGA3: PM2, PM3:Supporting

NM_001298.3(CNGA3):c.575T>G (p.Phe192Cys)

Gene: CNGA3 (cyclic nucleotide gated channel subunit alpha 3; plus strand). Cytogenetic location: 2q11.2.
Variant type: single nucleotide variant.
Coding change: c.575T>G on transcript NM_001298.3 (MANE Select); coding-DNA position 575, T replaced by G.
Protein change: p.Phe192Cys; replaces phenylalanine 192 with cysteine.
Molecular consequence: missense variant.
Genome position (GRCh38, 1-based): chr2:98,391,872, T>G. VCF-style: chr2-98391872-T-G. GRCh37 (hg19) VCF-style: chr2-99008335-T-G.
Other names: c.521T>G, p.Phe174Cys (NM_001079878.2); short protein forms F174C, F192C.
Identifiers: ClinVar variation 4534921 (VCV004534921.6).
Genomic context (GRCh38, chr2:98,391,872, plus strand): 5'-CACGCTCCAGAAACACACGCACAGCCATCCATCTCCCACATGGCTTCTTTAGGGCCTGTT[T>G]CGATGAGCTGCAGTCCGAGTACCTGATGCTGTGGCTGGTCCTGGACTACTCGGCAGATGT-3'
Protein context (NP_001289.1, residues 182-202): NWYLLICRAC[Phe192Cys]DELQSEYLML